The following is an entry in ClinVar:

NM_020884.7(MYH7B):c.4714C>A (p.Leu1572Ile)

Gene: MYH7B (myosin heavy chain 7B; plus strand). Cytogenetic location: 20q11.22.
Variant type: single nucleotide variant.
Coding change: c.4714C>A on transcript NM_020884.7 (MANE Select); coding-DNA position 4714, C replaced by A.
Protein change: p.Leu1572Ile; replaces leucine 1572 with isoleucine.
Molecular consequence: missense variant.
Genome position (GRCh38, 1-based): chr20:34,999,839, C>A. VCF-style: chr20-34999839-C-A. GRCh37 (hg19) VCF-style: chr20-33587642-C-A.
Other names: short protein forms L1572I.
Identifiers: ClinVar variation 4983689 (VCV004983689.1).

ClinVar aggregate classification (germline): Uncertain significance (1 of 4 stars; one submission).

Conditions:
MYH7B-related disorder. Also called: MYH7B-related condition.

gnomAD v4.1: 24 of 1,612,438 alleles (0.0015%); highest among the groups gnomAD compares: Non-Finnish European, 0.0018%; no homozygotes.

Submission:

PreventionGenetics, part of Exact Sciences
Classification: Uncertain significance for MYH7B-related condition. Last evaluated: 2026-03-28. Review status: criteria provided, single submitter. Criteria: ACMG Guidelines, 2015. Collection method: clinical testing. Allele origin: germline.
Comment: The MYH7B c.4840C>A variant is predicted to result in the amino acid substitution p.Leu1614Ile. To our knowledge, this variant has not been reported in the literature. This variant is reported in 0.0016% of alleles in individuals of European (Non-Finnish) descent in gnomAD. At this time, the clinical significance of this variant is uncertain due to the absence of conclusive functional and genetic evidence.